The following is an entry in ClinVar:

ClinVar aggregate classification (germline): Pathogenic (1 of 4 stars; one submission).

Submission:

Labcorp Genetics (formerly Invitae), Labcorp
Classification: Pathogenic. Last evaluated: 2019-07-12. Review status: criteria provided, single submitter. Criteria: Invitae Variant Classification Sherloc (09022015). Collection method: clinical testing. Allele origin: germline.
Comment: For these reasons, this variant has been classified as Pathogenic. Loss-of-function variants in CHM are known to be pathogenic (PMID: 9067750, 23811034). This variant has not been reported in the literature in individuals with CHM-related conditions. This variant is a gross deletion of the genomic region encompassing exons 1-3 of the CHM gene, which includes the initiator codon. The 5' end of this event is unknown as it extends beyond the assayed region for this gene and therefore may encompass additional genes. The 3' boundary is likely confined to intron 3 of the CHM gene. This is expected to result in an absent or disrupted protein product.

Literature cited by the submitters: PubMed 9067750; PubMed 23811034.

NC_000023.11:g.(?_85981737)_(86149108_?)del

Genes: CHM (CHM Rab escort protein; minus strand), DACH2 (dachshund family transcription factor 2; plus strand). Cytogenetic location: Xq21.2.
Variant type: Deletion.
Identifiers: ClinVar variation 830552 (VCV000830552.3).